The following is an entry in ClinVar:

ClinVar aggregate classification (germline): Pathogenic. Review status: criteria provided, multiple submitters, no conflicts (2 of 4 stars). 8 submissions from 8 submitters: Pathogenic (7). 1 of the submissions does not count toward it. Last evaluated 2026-04-23.

Conditions:
Atypical coarctation of aorta. Also called: Midaortic syndrome. Identifiers: Orphanet 1456, MedGen C3496579, MONDO:0015446.
JAG1-related disorder. Also called: JAG1-related condition; JAG1-related disorders.
Tetralogy of Fallot (TOF). Identifiers: Orphanet 3303, MedGen C0039685, MONDO:0008542, OMIM 187500, HP:0001636.
Deafness, congenital heart defects, and posterior embryotoxon (DCHE). Identifiers: MedGen C1866053, MONDO:0060713, OMIM 617992.
Alagille syndrome due to a JAG1 point mutation. Also called: Alagille Syndrome 1; HEPATIC DUCTULAR HYPOPLASIA, SYNDROMATIC; JAG1-Related Alagille Syndrome. Identifiers: Orphanet 261619, Orphanet 52, MedGen C1956125, MONDO:0016862, OMIM 118450.
Charcot-Marie-Tooth disease, axonal, Type 2HH. Also called: CHARCOT-MARIE-TOOTH NEUROPATHY, TYPE 2HH. Identifiers: MedGen C5562003, MONDO:0030458, OMIM 619574.

Allele frequency attached by ClinVar (database versions not stated): gnomAD exomes below 0.00001.
gnomAD v4.1: 2 of 1,612,882 alleles (0.00012%); highest among the groups gnomAD compares: Non-Finnish European, 0.000085%; no homozygotes.

Submissions (8):

PreventionGenetics, part of Exact Sciences
Classification: Pathogenic for JAG1-related condition. Last evaluated: 2026-04-23. Review status: criteria provided, single submitter. Criteria: ACMG Guidelines, 2015. Collection method: clinical testing. Allele origin: germline.
Comment: The JAG1 c.439+1G>A variant is predicted to disrupt the GT donor site and interfere with normal splicing. This variant has been reported in multiple individuals with Alagille syndrome (Table 1, Crosnier et al. 2000. PubMed ID: 11139247; Table 1, Jurkiewicz et al. 2014. PubMed ID: 24748328; Ohashi et al. 2017. PubMed ID: 28695677), as well as an individual with midaortic syndrome (Table 1, Warejko et al. 2018. PubMed ID: 29483232). This variant has not been reported in a large population database (gnomAD), indicating this variant is rare. Variants that disrupt the consensus splice donor site in JAG1 are expected to be pathogenic. This variant is interpreted as pathogenic.

GeneDx
Classification: Pathogenic. Last evaluated: 2025-06-30. Review status: criteria provided, single submitter. Criteria: GeneDx Variant Classification Process June 2021. Collection method: clinical testing. Allele origin: germline. Affected: yes.
Comment: Canonical splice site variant predicted to result in protein truncation for which loss of function is a known mechanism of disease (PMID: 12442286); Not observed at significant frequency in large population cohorts (gnomAD); This variant is associated with the following publications: (PMID: 25525159, 11139247, 29483232, 24748328, 34185059, 28695677, 11180599, 11139239, 26076142, 31343788, Kanwar[CaseReport]2021, 36514505, 37511516, 37314652, 12442286)

Labcorp Genetics (formerly Invitae), Labcorp
Classification: Pathogenic for Alagille syndrome due to a JAG1 point mutation. Last evaluated: 2025-02-19. Review status: criteria provided, single submitter. Criteria: Invitae Variant Classification Sherloc (09022015). Collection method: clinical testing. Allele origin: germline.
Comment: This sequence change affects a donor splice site in intron 3 of the JAG1 gene. It is expected to disrupt RNA splicing. Variants that disrupt the donor or acceptor splice site typically lead to a loss of protein function (PMID: 16199547), and loss-of-function variants in JAG1 are known to be pathogenic (PMID: 11180599). This variant is not present in population databases (gnomAD no frequency). Disruption of this splice site has been observed in individuals with Alagille syndrome (PMID: 11139247, 11180599, 29483232, 31343788). ClinVar contains an entry for this variant (Variation ID: 213529). Algorithms developed to predict the effect of sequence changes on RNA splicing suggest that this variant may disrupt the consensus splice site. For these reasons, this variant has been classified as Pathogenic.

Institute of Medical Genetics and Applied Genomics, University Hospital Tübingen
Classification: Pathogenic for Alagille syndrome due to a JAG1 point mutation. Last evaluated: 2024-07-01. Review status: criteria provided, single submitter. Criteria: ACMG Guidelines, 2015. Collection method: clinical testing. Allele origin: germline. Inheritance: Autosomal dominant inheritance. Affected: yes.

Genomic Medicine Lab, University of California San Francisco
Classification: Pathogenic for Alagille syndrome due to a JAG1 point mutation. Last evaluated: 2023-02-23. Review status: criteria provided, single submitter. Criteria: ACMG Guidelines, 2015. Collection method: clinical testing. Allele origin: paternal. Affected: yes.

Eurofins Ntd Llc (ga)
Classification: Pathogenic. Last evaluated: 2017-03-23. Review status: criteria provided, single submitter. Criteria: EGL Classification Definitions 2015. Collection method: clinical testing. Allele origin: germline. Observed: 2 variant alleles, 2 heterozygotes.

Juno Genomics, Hangzhou Juno Genomics, Inc
Classification: Pathogenic for Deafness, congenital heart defects, and posterior embryotoxon; Alagille syndrome due to a JAG1 point mutation; Charcot-Marie-Tooth disease, axonal, Type 2HH; Tetralogy of Fallot. Review status: criteria provided, single submitter. Criteria: ACMG Guidelines, 2015. Collection method: clinical testing. Allele origin: germline. Affected: yes.
Comment: Absent from controls (or at extremely low frequency if recessive) in Genome Aggregation Database, Exome Sequencing Project, 1000 Genomes Project, or Exome Aggregation Consortium.;Null variant in a gene where loss of function (LOF) is a known mechanism of disease.;The prevalence of the variant in affected individuals is significantly increased compared to the prevalence in controls.;De novo (both maternity and paternity confirmed) in a patient with the disease and no family history.

Yale Center for Mendelian Genomics, Yale University
Classification: Likely pathogenic for Midaortic syndrome. Last evaluated: 2018-02-26. Review status: no assertion criteria provided. Collection method: literature only. Allele origin: germline. Affected: yes. Observed: 1 heterozygote. Not counted in ClinVar's aggregate classification.

Literature cited by the submitters: PubMed 16199547 (cited by Labcorp Genetics (formerly Invitae), Labcorp); PubMed 11180599 (cited by Labcorp Genetics (formerly Invitae), Labcorp); PubMed 11139247 (cited by Labcorp Genetics (formerly Invitae), Labcorp and Eurofins Ntd Llc (ga)); PubMed 29483232 (cited by Labcorp Genetics (formerly Invitae), Labcorp and Yale Center for Mendelian Genomics, Yale University); PubMed 31343788 (cited by Labcorp Genetics (formerly Invitae), Labcorp); PubMed 24748328 (cited by Eurofins Ntd Llc (ga)).

NM_000214.3(JAG1):c.439+1G>A

Gene: JAG1 (jagged canonical Notch ligand 1; minus strand). Cytogenetic location: 20p12.2.
Variant type: single nucleotide variant.
Coding change: c.439+1G>A on transcript NM_000214.3 (MANE Select); the canonical splice donor site of the intron after coding-DNA position 439, G replaced by A.
Molecular consequence: splice donor variant.
Genome position (GRCh38, 1-based): chr20:10,663,962, C>T on the plus strand (G>A on the coding strand, the complement: JAG1 is on the minus strand). VCF-style: chr20-10663962-C-T. GRCh37 (hg19) VCF-style: chr20-10644610-C-T.
Identifiers: ClinVar variation 213529 (VCV000213529.18), dbSNP rs863223648, ClinGen allele CA324540.